The following is an entry in ClinVar:

ClinVar aggregate classification (germline): Likely benign. Review status: reviewed by expert panel (3 of 4 stars). 2 submissions from 2 submitters: Likely benign (1). 1 of the submissions does not count toward it. Last evaluated 2022-07-07.

Conditions:
Hereditary thrombocytopenia and hematologic cancer predisposition syndrome. Identifiers: Orphanet 71290, MedGen CN281654, MONDO:0011071.
Hereditary thrombocytopenia and hematological cancer predisposition syndrome associated with RUNX1. Also called: Familial Platelet Disorder with Propensity to Acute Myelogenous Leukemia; Familial thrombocytopenia with propensity to acute myelogenous leukemia; RUNX1 Familial Platelet Disorder with Associated Myeloid Malignancies; PLATELET DISORDER, ASPIRIN-LIKE. Identifiers: Orphanet 71290, MedGen C1832388, MeSH C563324, MONDO:0100083, OMIM 601399.

Allele frequency attached by ClinVar (database versions not stated): gnomAD exomes 0.00001; TOPMed 0.00001.
gnomAD v4.1: 9 of 1,596,332 alleles (0.00056%); highest among the groups gnomAD compares: East Asian, 0.016%; no homozygotes.

Submissions (2):

ClinGen Myeloid Malignancy Variant Curation Expert Panel
Classification: Likely benign for Hereditary thrombocytopenia and hematologic cancer predisposition syndrome. Last evaluated: 2022-07-07. Review status: reviewed by expert panel. Criteria: ClinGen MyeloMalig ACMG Specifications v2. Collection method: curation. Allele origin: germline. Inheritance: Autosomal dominant inheritance.
Comment: This c.613+7G>A intronic variant is located at a weakly conserved nucleotide per an evolutionary conservation prediction algorithm (PhyloP score = 1.15676 in GRCh38); it is not predicted to have any splicing impact per SpliceAI (Δ scores ≤ 0.20) (BP7+BP4). In summary, this variant meets criteria to be classified as likely benign. ACMG/AMP criteria applied, as specified by the ClinGen Myeloid Malignancy Variant Curation Expert Panel for RUNX1: BP4 and BP7.

Labcorp Genetics (formerly Invitae), Labcorp
Classification: Likely benign for Hereditary thrombocytopenia and hematological cancer predisposition syndrome associated with RUNX1. Last evaluated: 2025-07-31. Review status: criteria provided, single submitter. Criteria: Invitae Variant Classification Sherloc (09022015). Collection method: clinical testing. Allele origin: germline. Not counted in ClinVar's aggregate classification.

NM_001754.5(RUNX1):c.613+7G>A

Genes: RUNX1 (RUNX family transcription factor 1; minus strand), RUNX1-AS1 (RUNX1 antisense RNA 1; plus strand). Cytogenetic location: 21q22.12.
Variant type: single nucleotide variant.
Coding change: c.613+7G>A on transcript NM_001754.5 (MANE Select); 7 bases into the intron after coding-DNA position 613, G replaced by A.
Molecular consequence: intron variant.
Genome position (GRCh38, 1-based): chr21:34,859,467, C>T on the plus strand (G>A on the coding strand, the complement: RUNX1 is on the minus strand). VCF-style: chr21-34859467-C-T. GRCh37 (hg19) VCF-style: chr21-36231764-C-T.
Other names: NM_001754.4(RUNX1):c.613+7G>A; c.532+7G>A (NM_001001890.3, NM_001122607.2).
Identifiers: ClinVar variation 532680 (VCV000532680.13), dbSNP rs1375122279, ClinGen allele CA637745016.
Genomic context (GRCh38, chr21:34,859,467, plus strand): 5'-CTGAGTATACCAGCCTGGAGGGTGTACCAGCCTGGAGGGTGTACCAGCCCCAAGTGGATG[C>T]ACTTACTTCGAGGTTCTCGGGGCCCATCCACTGTGATTTTGATGGCTCTGTGGTAGGTGG-3'